The following is an entry in ClinVar:

ClinVar aggregate classification (germline): Uncertain significance. Review status: criteria provided, multiple submitters, no conflicts (2 of 4 stars). 3 submissions from 3 submitters: Uncertain significance (3). Last evaluated 2024-09-10.

Conditions:
Autosomal recessive inherited pseudoxanthoma elasticum (PXE). Identifiers: Orphanet 758, MedGen CN032334, MONDO:0009925, OMIM 264800.
Pseudoxanthoma elasticum, forme fruste. Also called: Pseudoxanthoma Elasticum, Incomplete; PSEUDOXANTHOMA ELASTICUM, HETEROZYGOUS. Identifiers: Orphanet 758, MedGen C1867450, MONDO:0008333, OMIM 177850.
Arterial calcification, generalized, of infancy, 2. Identifiers: Orphanet 51608, MedGen C3276161, MONDO:0013768, OMIM 614473.

Allele frequency attached by ClinVar (database versions not stated): ExAC 0.00002; gnomAD exomes 0.00002; gnomAD 0.00004 and 0.00005; 1000 Genomes Project 0.00020; 1000 Genomes Project 30x 0.00031.
gnomAD v4.1: 25 of 1,611,476 alleles (0.0016%); highest among the groups gnomAD compares: South Asian, 0.0055%; no homozygotes.

Submissions (3):

Blueprint Genetics
Classification: Uncertain significance. Last evaluated: 2024-09-10. Review status: criteria provided, single submitter. Criteria: ACMG Guidelines, 2015. Collection method: clinical testing. Allele origin: germline.

Labcorp Genetics (formerly Invitae), Labcorp
Classification: Uncertain significance. Last evaluated: 2022-08-22. Review status: criteria provided, single submitter. Criteria: Invitae Variant Classification Sherloc (09022015). Collection method: clinical testing. Allele origin: germline.
Comment: This sequence change falls in intron 13 of the ABCC6 gene. It does not directly change the encoded amino acid sequence of the ABCC6 protein. This variant is present in population databases (rs532189625, gnomAD 0.007%). This variant has not been reported in the literature in individuals affected with ABCC6-related conditions. ClinVar contains an entry for this variant (Variation ID: 1478452). Algorithms developed to predict the effect of sequence changes on RNA splicing suggest that this variant may disrupt the consensus splice site. In summary, the available evidence is currently insufficient to determine the role of this variant in disease. Therefore, it has been classified as a Variant of Uncertain Significance.

Fulgent Genetics
Classification: Uncertain significance for Pseudoxanthoma elasticum, forme fruste; Autosomal recessive inherited pseudoxanthoma elasticum; Arterial calcification, generalized, of infancy, 2. Last evaluated: 2021-10-22. Review status: criteria provided, single submitter. Criteria: ACMG Guidelines, 2015. Collection method: clinical testing. Allele origin: unknown.

NM_001171.6(ABCC6):c.1780-11G>A

Gene: ABCC6 (ATP binding cassette subfamily C member 6; minus strand). Cytogenetic location: 16p13.11.
Variant type: single nucleotide variant.
Coding change: c.1780-11G>A on transcript NM_001171.6 (MANE Select); 11 bases into the intron before coding-DNA position 1780, G replaced by A.
Molecular consequence: intron variant.
Genome position (GRCh38, 1-based): chr16:16,187,222, C>T on the plus strand (G>A on the coding strand, the complement: ABCC6 is on the minus strand). VCF-style: chr16-16187222-C-T. GRCh37 (hg19) VCF-style: chr16-16281079-C-T.
Other names: c.1438-11G>A (NM_001351800.1).
Identifiers: ClinVar variation 1478452 (VCV001478452.7), dbSNP rs532189625, ClinGen allele CA7926159.